The following is an entry in ClinVar:

ClinVar aggregate classification (germline): Uncertain significance. Review status: criteria provided, multiple submitters, no conflicts (2 of 4 stars). 2 submissions from 2 submitters: Uncertain significance (2). Last evaluated 2025-08-29.

Conditions:
Early Myoclonic Encephalopathy. Identifiers: MedGen C0270855.

Allele frequency attached by ClinVar (database versions not stated): gnomAD 0.00005; ExAC 0.00008; gnomAD exomes 0.00008 and 0.00009; ESP Exome Variant Server 0.00026.
gnomAD v4.1: 129 of 1,602,400 alleles (0.0081%); highest among the groups gnomAD compares: Non-Finnish European, 0.01%; no homozygotes.

Submissions (2):

Labcorp Genetics (formerly Invitae), Labcorp
Classification: Uncertain significance for Early Myoclonic Encephalopathy. Last evaluated: 2025-08-29. Review status: criteria provided, single submitter. Criteria: Invitae Variant Classification Sherloc (09022015). Collection method: clinical testing. Allele origin: germline.
Comment: This sequence change replaces phenylalanine, which is neutral and non-polar, with tyrosine, which is neutral and polar, at codon 130 of the JMJD1C protein (p.Phe130Tyr). This variant is present in population databases (rs372823907, gnomAD 0.01%). This variant has not been reported in the literature in individuals affected with JMJD1C-related conditions. ClinVar contains an entry for this variant (Variation ID: 846335). An algorithm developed to predict the effect of missense changes on protein structure and function (PolyPhen-2) suggests that this variant is likely to be disruptive. In summary, the available evidence is currently insufficient to determine the role of this variant in disease. Therefore, it has been classified as a Variant of Uncertain Significance.

CeGaT Center for Human Genetics Tuebingen
Classification: Uncertain significance. Last evaluated: 2023-06-01. Review status: criteria provided, single submitter. Criteria: CeGaT Center For Human Genetics Tuebingen Variant Classification Criteria Version 2. Collection method: clinical testing. Allele origin: germline. Affected: yes. Observed: 1 variant allele.

NM_032776.3(JMJD1C):c.389T>A (p.Phe130Tyr)

Gene: JMJD1C (jumonji domain containing 1C; minus strand). Cytogenetic location: 10q21.3.
Variant type: single nucleotide variant.
Coding change: c.389T>A on transcript NM_032776.3 (MANE Select); coding-DNA position 389, T replaced by A.
Protein change: p.Phe130Tyr; replaces phenylalanine 130 with tyrosine.
Molecular consequence: missense variant. On other transcripts: 5 prime UTR variant (5), intron variant (1).
Genome position (GRCh38, 1-based): chr10:63,264,709, A>T on the plus strand (T>A on the coding strand, the complement: JMJD1C is on the minus strand). VCF-style: chr10-63264709-A-T. GRCh37 (hg19) VCF-style: chr10-65024469-A-T.
Other names: c.-158T>A (NM_001282948.2, NM_001318154.2); c.-480T>A (NM_001318153.2); c.-163T>A (NM_001322254.2, NM_001322258.2); c.334-44726T>A (NM_001322252.2); short protein forms F130Y.
Identifiers: ClinVar variation 846335 (VCV000846335.31), dbSNP rs372823907, ClinGen allele CA5519047.
Genomic context (GRCh38, chr10:63,264,709, plus strand): 5'-ACCTGGTAGGGCTGAAAGGCACTATCTTCAGTTAAAAAATCCAGTTGCTTATCTACAAGG[A>T]ATTCTACTGCAGTGACTGAACTGGGTATATTTCTTTCAACCAGAGGTTTGAAAGTCTGCC-3'
Protein context (NP_116165.1, residues 120-140): NIPSSVTAVE[Phe130Tyr]LVDKQLDFLT